The following is an entry in ClinVar:

NM_001038603.3(MARVELD2):c.1438C>G (p.Leu480Val)

Gene: MARVELD2 (MARVEL domain containing 2; plus strand). Cytogenetic location: 5q13.2.
Variant type: single nucleotide variant.
Coding change: c.1438C>G on transcript NM_001038603.3 (MANE Select); coding-DNA position 1438, C replaced by G.
Protein change: p.Leu480Val; replaces leucine 480 with valine.
Molecular consequence: missense variant.
Genome position (GRCh38, 1-based): chr5:69,433,028, C>G. VCF-style: chr5-69433028-C-G. GRCh37 (hg19) VCF-style: chr5-68728855-C-G.
Other names: c.1402C>G, p.Leu468Val (NM_001244734.2); short protein forms L480V, L468V.
Identifiers: ClinVar variation 197708 (VCV000197708.12), dbSNP rs767671073, ClinGen allele CA245995.

ClinVar aggregate classification (germline): Uncertain significance. Review status: criteria provided, multiple submitters, no conflicts (2 of 4 stars). 6 submissions from 6 submitters: Uncertain significance (6). Last evaluated 2025-07-14.

Conditions:
Inborn genetic diseases. Identifiers: MedGen C0950123, MeSH D030342.

Allele frequency attached by ClinVar (database versions not stated): ExAC 0.00003; gnomAD exomes 0.00004; gnomAD 0.00005; TOPMed 0.00007.
gnomAD v4.1: 262 of 1,614,062 alleles (0.016%); highest among the groups gnomAD compares: Non-Finnish European, 0.021%; no homozygotes.

Submissions (6):

Ambry Genetics
Classification: Uncertain significance for Inborn genetic diseases. Last evaluated: 2025-07-14. Review status: criteria provided, single submitter. Criteria: Ambry Variant Classification Scheme 2023. Collection method: clinical testing. Allele origin: germline.

Blueprint Genetics
Classification: Uncertain significance. Last evaluated: 2024-11-06. Review status: criteria provided, single submitter. Criteria: ACMG Guidelines, 2015. Collection method: clinical testing. Allele origin: germline.

GeneDx
Classification: Uncertain significance. Last evaluated: 2023-03-29. Review status: criteria provided, single submitter. Criteria: GeneDx Variant Classification Process June 2021. Collection method: clinical testing. Allele origin: germline. Affected: yes.
Comment: In silico analysis supports that this missense variant does not alter protein structure/function; Has not been previously published as pathogenic or benign to our knowledge

Labcorp Genetics (formerly Invitae), Labcorp
Classification: Uncertain significance. Last evaluated: 2022-03-13. Review status: criteria provided, single submitter. Criteria: Invitae Variant Classification Sherloc (09022015). Collection method: clinical testing. Allele origin: germline.
Comment: This sequence change replaces leucine, which is neutral and non-polar, with valine, which is neutral and non-polar, at codon 480 of the MARVELD2 protein (p.Leu480Val). This variant is present in population databases (rs767671073, gnomAD 0.009%). This variant has not been reported in the literature in individuals affected with MARVELD2-related conditions. ClinVar contains an entry for this variant (Variation ID: 197708). Algorithms developed to predict the effect of missense changes on protein structure and function are either unavailable or do not agree on the potential impact of this missense change (SIFT: "Tolerated"; PolyPhen-2: "Possibly Damaging"; Align-GVGD: "Class C0"). Algorithms developed to predict the effect of sequence changes on RNA splicing suggest that this variant may create or strengthen a splice site. In summary, the available evidence is currently insufficient to determine the role of this variant in disease. Therefore, it has been classified as a Variant of Uncertain Significance.

Laboratory for Molecular Medicine, Mass General Brigham Personalized Medicine
Classification: Uncertain significance. Last evaluated: 2015-11-17. Review status: criteria provided, single submitter. Criteria: LMM Criteria. Collection method: clinical testing. Allele origin: germline. Observed: 1 variant allele.
Comment: The p.Leu480Val variant in MARVELD2 has not been previously reported in individu als with hearing loss, but has been identified in 4/66738 of European chromosome s by the Exome Aggregation Consortium (ExAC). Al though this variant has been seen in the general population, its frequency is no t high enough to rule out a pathogenic role. Computational prediction tools and conservation analyses do not provide strong support for or against an impact to the protein. In summary, the clinical significance of the p.Leu480Val variant is uncertain.

Eurofins Ntd Llc (ga)
Classification: Uncertain significance. Last evaluated: 2014-11-21. Review status: criteria provided, single submitter. Criteria: EGL Classification Definitions 2015. Collection method: clinical testing. Allele origin: germline. Observed: 1 variant allele, 1 heterozygote.